The following is an entry in ClinVar:

NM_000507.4(FBP1):c.639C>G (p.Asn213Lys)

Gene: FBP1 (fructose-bisphosphatase 1; minus strand). Cytogenetic location: 9q22.32.
Variant type: single nucleotide variant.
Coding change: c.639C>G on transcript NM_000507.4 (MANE Select); coding-DNA position 639, C replaced by G.
Protein change: p.Asn213Lys; replaces asparagine 213 with lysine.
Molecular consequence: missense variant.
Genome position (GRCh38, 1-based): chr9:94,606,881, G>C on the plus strand (C>G on the coding strand, the complement: FBP1 is on the minus strand). VCF-style: chr9-94606881-G-C. GRCh37 (hg19) VCF-style: chr9-97369163-G-C.
Other names: c.639C>G, p.Asn213Lys (NM_001127628.2); short protein forms N213K.
Identifiers: ClinVar variation 3902744 (VCV003902744.1).

ClinVar aggregate classification (germline): Likely pathogenic (1 of 4 stars; one submission).

Conditions:
Fructose-biphosphatase deficiency (FBP1D). Also called: Fructose-1,6-Diphosphatase Deficiency; Fructose 1,6 Bisphosphatase Deficiency; Fructose-1,6-Bisphosphatase 1 Deficiency. Identifiers: Orphanet 348, MedGen C0016756, MONDO:0009251, OMIM 229700.

Submission:

Women's Health and Genetics/Laboratory Corporation of America, LabCorp
Classification: Likely pathogenic for Fructose-biphosphatase deficiency. Last evaluated: 2025-05-22. Review status: criteria provided, single submitter. Criteria: LabCorp Variant Classification Summary - May 2015. Collection method: clinical testing. Allele origin: germline.
Comment: Variant summary: FBP1 c.639C>G (p.Asn213Lys) results in a non-conservative amino acid change in the encoded protein sequence. Algorithms developed to predict the effect of missense changes on protein structure and function all suggest that this variant is likely to be disruptive. The variant was absent in 251402 control chromosomes (gnomAD). c.639C>G has been observed in individual(s) affected with Fructose-biphosphatase deficiency (Herzog_2001, Lebigot_2015, Gorce_2021). These data indicate that the variant may be associated with disease. At least one publication reports this variant affected the FBP1 protein function (Sakuma_2023). The following publications have been ascertained in the context of this evaluation (PMID: 34687058, 11286391, 25601412, 37507476). No submitters have cited clinical-significance assessments for this variant to ClinVar. Based on the evidence outlined above, the variant was classified as likely pathogenic.

Literature cited by the submitters: PubMed 34687058; PubMed 11286391; PubMed 25601412; PubMed 37507476.